The following is an entry in ClinVar:

NM_130837.3(OPA1):c.2984-250G>A

Gene: OPA1 (OPA1 mitochondrial dynamin like GTPase; plus strand). Cytogenetic location: 3q29.
Variant type: single nucleotide variant.
Coding change: c.2984-250G>A on transcript NM_130837.3 (MANE Select); 250 bases into the intron before coding-DNA position 2984, G replaced by A.
Molecular consequence: intron variant.
Genome position (GRCh38, 1-based): chr3:193,691,813, G>A. VCF-style: chr3-193691813-G-A. GRCh37 (hg19) VCF-style: chr3-193409602-G-A.
Other names: c.2447-250G>A (NM_001354664.2); c.2450-250G>A (NM_001354663.2); c.2873-250G>A (NM_130834.3); c.2930-250G>A (NM_130836.3); c.2819-250G>A (NM_015560.3); c.2876-250G>A (NM_130835.3); c.2765-250G>A (NM_130832.3); c.2822-250G>A (NM_130833.3); and 1 more.
Identifiers: ClinVar variation 679962 (VCV000679962.1), dbSNP rs6776228, ClinGen allele CA90577208.

ClinVar aggregate classification (germline): Benign (1 of 4 stars; one submission).

Allele frequency attached by ClinVar (database versions not stated): gnomAD exomes 0.00453; gnomAD 0.03309 and 0.03582; 1000 Genomes Project 0.03634; 1000 Genomes Project 30x 0.03701; TOPMed 0.03715.
gnomAD v4.1: 6,097 of 384,692 alleles (1.6%); highest among the groups gnomAD compares: African/African-American, 11%; 349 homozygotes.

Submission:

GeneDx
Classification: Benign. Last evaluated: 2018-06-16. Review status: criteria provided, single submitter. Criteria: GeneDx Variant Classification (06012015). Collection method: clinical testing. Allele origin: germline. Affected: yes.
Comment: This variant is considered likely benign or benign based on one or more of the following criteria: it is a conservative change, it occurs at a poorly conserved position in the protein, it is predicted to be benign by multiple in silico algorithms, and/or has population frequency not consistent with disease.